The following is an entry in ClinVar:

ClinVar aggregate classification (germline): Likely benign (1 of 4 stars; one submission).

Submission:

CeGaT Center for Human Genetics Tuebingen
Classification: Likely benign. Last evaluated: 2026-03-01. Review status: criteria provided, single submitter. Criteria: CeGaT Center For Human Genetics Tuebingen Variant Classification Criteria Version 2. Collection method: clinical testing. Allele origin: germline. Affected: yes. Observed: 1 variant allele.
Comment: H2BC18: BP4, BP7

NM_001024599.5(H2BC18):c.273A>G (p.Thr91=)

Genes: H2BC18 (H2B clustered histone 18; minus strand), LOC129931371 (ATAC-STARR-seq lymphoblastoid active region 1653; plus strand). Cytogenetic location: 1q21.2.
Variant type: single nucleotide variant.
Coding change: c.273A>G on transcript NM_001024599.5 (MANE Select); coding-DNA position 273, A replaced by G.
Protein change: p.Thr91=; no amino-acid change (threonine 91 retained).
Molecular consequence: synonymous variant.
Genome position (GRCh38, 1-based): chr1:149,812,051, T>C on the plus strand (A>G on the coding strand, the complement: H2BC18 is on the minus strand). VCF-style: chr1-149812051-T-C. GRCh37 (hg19) VCF-style: chr1-149783606-T-C.
Other names: c.273A>G, p.Thr91= (NM_001161334.2).
Identifiers: ClinVar variation 4821877 (VCV004821877.4).